The following is an entry in ClinVar:

ClinVar aggregate classification (germline): Uncertain significance. Review status: criteria provided, multiple submitters, no conflicts (2 of 4 stars). 2 submissions from 2 submitters: Uncertain significance (2). Last evaluated 2024-07-27.

Conditions:
Inborn genetic diseases. Identifiers: MedGen C0950123, MeSH D030342.
Hereditary sensory and autonomic neuropathy type 7. Also called: Neuropathy, hereditary sensory and autonomic, type VII; HSAN VII. Identifiers: Orphanet 391397, MedGen C3809882, MONDO:0014244, OMIM 615548.
Familial episodic pain syndrome with predominantly lower limb involvement. Also called: Episodic pain syndrome, familial, 3. Identifiers: Orphanet 391384, Orphanet 391392, MedGen C3809899, MONDO:0014247, OMIM 615552.

Allele frequency attached by ClinVar (database versions not stated): gnomAD exomes below 0.00001; gnomAD 0.00001; TOPMed 0.00001.
gnomAD v4.1: 39 of 1,600,418 alleles (0.0024%); highest among the groups gnomAD compares: Non-Finnish European, 0.0033%; no homozygotes.

Submissions (2):

Ambry Genetics
Classification: Uncertain significance for Inborn genetic diseases. Last evaluated: 2024-07-27. Review status: criteria provided, single submitter. Criteria: Ambry Variant Classification Scheme 2023. Collection method: clinical testing. Allele origin: germline.

Labcorp Genetics (formerly Invitae), Labcorp
Classification: Uncertain significance for Familial episodic pain syndrome with predominantly lower limb involvement; Hereditary sensory and autonomic neuropathy type 7. Last evaluated: 2022-08-23. Review status: criteria provided, single submitter. Criteria: Invitae Variant Classification Sherloc (09022015). Collection method: clinical testing. Allele origin: germline.
Comment: This sequence change replaces proline, which is neutral and non-polar, with histidine, which is basic and polar, at codon 1344 of the SCN11A protein (p.Pro1344His). This variant is present in population databases (no rsID available, gnomAD 0.002%). This variant has not been reported in the literature in individuals affected with SCN11A-related conditions. ClinVar contains an entry for this variant (Variation ID: 855465). Algorithms developed to predict the effect of missense changes on protein structure and function (SIFT, PolyPhen-2, Align-GVGD) all suggest that this variant is likely to be disruptive. In summary, the available evidence is currently insufficient to determine the role of this variant in disease. Therefore, it has been classified as a Variant of Uncertain Significance.

NM_001349253.2(SCN11A):c.4031C>A (p.Pro1344His)

Gene: SCN11A (sodium voltage-gated channel alpha subunit 11; minus strand). Cytogenetic location: 3p22.2.
Variant type: single nucleotide variant.
Coding change: c.4031C>A on transcript NM_001349253.2 (MANE Select); coding-DNA position 4031, C replaced by A.
Protein change: p.Pro1344His; replaces proline 1344 with histidine.
Molecular consequence: missense variant.
Genome position (GRCh38, 1-based): chr3:38,863,220, G>T on the plus strand (C>A on the coding strand, the complement: SCN11A is on the minus strand). VCF-style: chr3-38863220-G-T. GRCh37 (hg19) VCF-style: chr3-38904711-G-T.
Other names: c.4031C>A, p.Pro1344His (NM_014139.3); short protein forms P1344H.
Identifiers: ClinVar variation 855465 (VCV000855465.7), dbSNP rs1295263360, ClinGen allele CA352167452.